The following is an entry in ClinVar:

ClinVar aggregate classification (germline): Benign/Likely benign. Review status: criteria provided, multiple submitters, no conflicts (2 of 4 stars). 5 submissions from 5 submitters: Benign (2); Likely benign (3). Last evaluated 2026-01-31.

Conditions:
Bartter disease type 1. Also called: Bartter Syndrome type 1; HYPERPROSTAGLANDIN E SYNDROME 1; HYPOKALEMIC ALKALOSIS WITH HYPERCALCIURIA 1, ANTENATAL; Bartter syndrome, type 1, antenatal. Identifiers: Orphanet 112, Orphanet 620217, MedGen C1866495, MONDO:0100344, OMIM 601678, MONDO:0011127.

Allele frequency attached by ClinVar (database versions not stated): 1000 Genomes Project 30x 0.00078; 1000 Genomes Project 0.00100; TOPMed 0.00224; ExAC 0.00292; ESP Exome Variant Server 0.00331; gnomAD 0.00356 and 0.00364; gnomAD exomes 0.00362 and 0.00394.
gnomAD v4.1: 6,212 of 1,584,184 alleles (0.39%); highest among the groups gnomAD compares: Non-Finnish European, 0.4%; 22 homozygotes.

Submissions (5):

Labcorp Genetics (formerly Invitae), Labcorp
Classification: Benign. Last evaluated: 2026-01-31. Review status: criteria provided, single submitter. Criteria: Invitae Variant Classification Sherloc (09022015). Collection method: clinical testing. Allele origin: germline.

Blueprint Genetics
Classification: Likely benign. Last evaluated: 2024-11-22. Review status: criteria provided, single submitter. Criteria: ACMG Guidelines, 2015. Collection method: clinical testing. Allele origin: germline.

Fulgent Genetics
Classification: Benign for Bartter disease type 1. Last evaluated: 2021-09-23. Review status: criteria provided, single submitter. Criteria: ACMG Guidelines, 2015. Collection method: clinical testing. Allele origin: unknown.

GeneDx
Classification: Likely benign. Last evaluated: 2020-02-13. Review status: criteria provided, single submitter. Criteria: GeneDx Variant Classification Process June 2021. Collection method: clinical testing. Allele origin: germline. Affected: yes.

Illumina Laboratory Services, Illumina
Classification: Likely benign for Bartter disease type 1. Last evaluated: 2018-01-12. Review status: criteria provided, single submitter. Criteria: ICSL Variant Classification Criteria 13 December 2019. Collection method: clinical testing. Allele origin: germline.
Comment: This variant was observed in the ICSL laboratory as part of a predisposition screen in an ostensibly healthy population. It had not been previously curated by ICSL or reported in the Human Gene Mutation Database (HGMD: prior to June 1st, 2018), and was therefore a candidate for classification through an automated scoring system. Utilizing variant allele frequency, disease prevalence and penetrance estimates, and inheritance mode, an automated score was calculated to assess if this variant is too frequent to cause the disease. Based on the score and internal cut-off values, a variant classified as likely benign is not then subjected to further curation. The score for this variant resulted in a classification of likely benign for this disease.

NM_000338.3(SLC12A1):c.1300+12G>A

Gene: SLC12A1 (solute carrier family 12 member 1; plus strand). Cytogenetic location: 15q21.1.
Variant type: single nucleotide variant.
Coding change: c.1300+12G>A on transcript NM_000338.3 (MANE Select); 12 bases into the intron after coding-DNA position 1300, G replaced by A.
Molecular consequence: intron variant.
Genome position (GRCh38, 1-based): chr15:48,241,611, G>A. VCF-style: chr15-48241611-G-A. GRCh37 (hg19) VCF-style: chr15-48533808-G-A.
Other names: c.1300+12G>A (NM_001184832.2).
Identifiers: ClinVar variation 884310 (VCV000884310.16), dbSNP rs147511178, ClinGen allele CA7547040.
Genomic context (GRCh38, chr15:48,241,611, plus strand): 5'-GCCATTTTCATCACCACTGTTGCCTACTTAGGGGTTGCAATTTGTGTAGGTAAGTGGTAC[G>A]TCTCCAGTGTCAGAATGTCAGAATTACGAGGGGTCCAGTTGTTCACGTCTAGTGAGCTTT-3'